The following is an entry in ClinVar:

NM_016107.5(ZFR):c.1953A>G (p.Glu651=)

Gene: ZFR (zinc finger RNA binding protein; minus strand). Cytogenetic location: 5p13.3.
Variant type: single nucleotide variant.
Coding change: c.1953A>G on transcript NM_016107.5 (MANE Select); coding-DNA position 1953, A replaced by G.
Protein change: p.Glu651=; no amino-acid change (glutamic acid 651 retained).
Molecular consequence: synonymous variant. On other transcripts: non-coding transcript variant (1).
Genome position (GRCh38, 1-based): chr5:32,395,185, T>C on the plus strand (A>G on the coding strand, the complement: ZFR is on the minus strand). VCF-style: chr5-32395185-T-C. GRCh37 (hg19) VCF-style: chr5-32395291-T-C.
Other names: c.1953A>G (NM_016107.4).
Identifiers: ClinVar variation 544264 (VCV000544264.16), dbSNP rs77829878, ClinGen allele CA3221726.

ClinVar aggregate classification (germline): Benign. Review status: criteria provided, multiple submitters, no conflicts (2 of 4 stars). 3 submissions from 3 submitters: Benign (2). 1 of the submissions does not count toward it. Last evaluated 2026-01-27.

Conditions:
ZFR-related disorder. Also called: ZFR-related condition.
Pure or complex autosomal recessive spastic paraplegia. Identifiers: Orphanet 320346, MedGen C5679887, MONDO:0017915.

Allele frequency attached by ClinVar (database versions not stated): gnomAD exomes 0.00172 and 0.00475; ExAC 0.00575; gnomAD 0.01897 and 0.02026; TOPMed 0.02101; 1000 Genomes Project 0.02117; ESP Exome Variant Server 0.02122; 1000 Genomes Project 30x 0.02155.
gnomAD v4.1: 5,495 of 1,605,684 alleles (0.34%); highest among the groups gnomAD compares: African/African-American, 6.6%; 172 homozygotes.

Submissions (3):

Labcorp Genetics (formerly Invitae), Labcorp
Classification: Benign for Pure or complex autosomal recessive spastic paraplegia. Last evaluated: 2026-01-27. Review status: criteria provided, single submitter. Criteria: Invitae Variant Classification Sherloc (09022015). Collection method: clinical testing. Allele origin: germline.

Breakthrough Genomics
Classification: Benign. Review status: criteria provided, single submitter. Criteria: ACMG Guidelines, 2015. Collection method: not provided. Allele origin: germline. Inheritance: Unknown mechanism. Affected: yes.

PreventionGenetics, part of Exact Sciences
Classification: Likely benign for ZFR-related condition. Last evaluated: 2019-11-18. Review status: no assertion criteria provided. Collection method: clinical testing. Allele origin: germline. Not counted in ClinVar's aggregate classification.
Comment: This variant is classified as likely benign based on ACMG/AMP sequence variant interpretation guidelines (Richards et al. 2015 PMID: 25741868, with internal and published modifications).